The following is an entry in ClinVar:

NM_001370259.2(MEN1):c.195del (p.Ser66fs)

Gene: MEN1 (menin 1; minus strand). Cytogenetic location: 11q13.1.
Variant type: Deletion.
Coding change: c.195del on transcript NM_001370259.2 (MANE Select); coding-DNA position 195, one base deleted (C; older notation c.195delC).
Protein change: p.Ser66fs; shifts the reading frame from serine 66.
Molecular consequence: frameshift variant.
Genome position (GRCh38, 1-based): chr11:64,809,915, G deleted on the plus strand (C on the coding strand, the reverse complement: MEN1 is on the minus strand); the first of 3 consecutive G bases (chr11:64,809,915-64,809,917); deleting any one gives the same sequence. VCF-style (leftmost placement, unchanged base first): chr11-64809914-TG-T. GRCh37 (hg19) VCF-style: chr11-64577386-TG-T.
Other names: c.195del, p.Ser66fs (NM_000244.4, NM_001370251.2, NM_001370260.2 and 9 more transcripts); c.193delC, p.Ser66Alafs (NM_001407142.1, NM_001407143.1, NM_001407144.1 and 8 more transcripts); short protein forms S66fs.
Identifiers: ClinVar variation 2034987 (VCV002034987.4), dbSNP rs2497278307, ClinGen allele CA2580084438.

ClinVar aggregate classification (germline): Pathogenic (1 of 4 stars; one submission).

Conditions:
Multiple endocrine neoplasia, type 1 (MEN1). Also called: MEN I; WERMER SYNDROME; Endocrine adenomatosis multiple; MEN 1; MEA I. Identifiers: Orphanet 652, MedGen C0025267, MeSH D018761, MONDO:0007540, OMIM 131100.

Submission:

Labcorp Genetics (formerly Invitae), Labcorp
Classification: Pathogenic for Multiple endocrine neoplasia, type 1. Last evaluated: 2022-10-10. Review status: criteria provided, single submitter. Criteria: Invitae Variant Classification Sherloc (09022015). Collection method: clinical testing. Allele origin: germline.
Comment: For these reasons, this variant has been classified as Pathogenic. This variant has not been reported in the literature in individuals affected with MEN1-related conditions. This variant is not present in population databases (gnomAD no frequency). This sequence change creates a premature translational stop signal (p.Ser66Alafs*53) in the MEN1 gene. It is expected to result in an absent or disrupted protein product. Loss-of-function variants in MEN1 are known to be pathogenic (PMID: 12112656, 17853334).

Literature cited by the submitters: PubMed 12112656; PubMed 17853334.